The following is an entry in ClinVar:

NM_005431.2(XRCC2):c.50G>A (p.Arg17Gln)

Gene: XRCC2 (X-ray repair cross complementing 2; minus strand). Cytogenetic location: 7q36.1.
Variant type: single nucleotide variant.
Coding change: c.50G>A on transcript NM_005431.2 (MANE Select); coding-DNA position 50, G replaced by A.
Protein change: p.Arg17Gln; replaces arginine 17 with glutamine.
Molecular consequence: missense variant.
Genome position (GRCh38, 1-based): chr7:152,660,772, C>T on the plus strand (G>A on the coding strand, the complement: XRCC2 is on the minus strand). VCF-style: chr7-152660772-C-T. GRCh37 (hg19) VCF-style: chr7-152357857-C-T.
Other names: short protein forms R17Q.
Identifiers: ClinVar variation 419662 (VCV000419662.19), dbSNP rs759291002, ClinGen allele CA4582412.

ClinVar aggregate classification (germline): Uncertain significance. Review status: criteria provided, multiple submitters, no conflicts (2 of 4 stars). 4 submissions from 4 submitters: Uncertain significance (4). Last evaluated 2025-11-08.

Conditions:
Hereditary cancer-predisposing syndrome. Also called: Hereditary neoplastic syndrome; Tumor predisposition; Neoplastic Syndromes, Hereditary; Hereditary Cancer Syndrome. Identifiers: Orphanet 140162, MedGen C0027672, MeSH D009386, MONDO:0015356.

Allele frequency attached by ClinVar (database versions not stated): gnomAD exomes 0.00001 and 0.00004; gnomAD 0.00002 and 0.00003; ExAC 0.00003; TOPMed 0.00005.
gnomAD v4.1: 23 of 1,612,338 alleles (0.0014%); highest among the groups gnomAD compares: Admixed American, 0.01%; no homozygotes.

Submissions (4):

Quest Diagnostics Nichols Institute San Juan Capistrano
Classification: Uncertain significance. Last evaluated: 2025-11-08. Review status: criteria provided, single submitter. Criteria: Quest Diagnostics criteria. Collection method: clinical testing. Allele origin: unknown.
Comment: The frequency of this variant in the general population (Genome Aggregation Database) is uninformative in the assessment of its pathogenicity. Analysis of this variant using bioinformatics tools for the prediction of the effect of amino acid changes on protein structure and function yielded conflicting predictions that this variant is benign or damaging. Based on the available information, we are unable to determine the clinical significance of this variant.

Ambry Genetics
Classification: Uncertain significance for Hereditary cancer-predisposing syndrome. Last evaluated: 2024-06-03. Review status: criteria provided, single submitter. Criteria: Ambry Variant Classification Scheme 2023. Collection method: clinical testing. Allele origin: germline.
Comment: The p.R17Q variant (also known as c.50G>A), located in coding exon 2 of the XRCC2 gene, results from a G to A substitution at nucleotide position 50. The arginine at codon 17 is replaced by glutamine, an amino acid with highly similar properties. This variant was detected in 1/523 Italian male breast cancer patients and classified as a variant of unknown significance by the authors (Rizzolo P et al. Int J Cancer, 2019 07;145:390-400). This amino acid position is highly conserved in available vertebrate species. In addition, the in silico prediction for this alteration is inconclusive. Based on the available evidence, the clinical significance of this variant remains unclear.

Labcorp Genetics (formerly Invitae), Labcorp
Classification: Uncertain significance. Last evaluated: 2023-12-30. Review status: criteria provided, single submitter. Criteria: Invitae Variant Classification Sherloc (09022015). Collection method: clinical testing. Allele origin: germline.
Comment: This sequence change replaces arginine, which is basic and polar, with glutamine, which is neutral and polar, at codon 17 of the XRCC2 protein (p.Arg17Gln). This variant is present in population databases (rs759291002, gnomAD 0.02%). This missense change has been observed in individual(s) with breast cancer (PMID: 30613976). ClinVar contains an entry for this variant (Variation ID: 419662). An algorithm developed to predict the effect of missense changes on protein structure and function (PolyPhen-2) suggests that this variant is likely to be tolerated. In summary, the available evidence is currently insufficient to determine the role of this variant in disease. Therefore, it has been classified as a Variant of Uncertain Significance.

GeneDx
Classification: Uncertain significance. Last evaluated: 2016-11-28. Review status: criteria provided, single submitter. Criteria: GeneDx Variant Classification (06012015). Collection method: clinical testing. Allele origin: germline. Affected: yes.
Comment: This variant is denoted XRCC2 c.50G>A at the cDNA level, p.Arg17Gln (R17Q) at the protein level, and results in the change of an Arginine to a Glutamine (CGA>CAA). This variant has not, to our knowledge, been published in the literature as pathogenic or benign. XRCC2 Arg17Gln was not observed in approximately 6,500 individuals of European and African American ancestry in the NHLBI Exome Sequencing Project, suggesting it is not a common benign variant in these populations. Since Arginine and Glutamine differ in some properties, this is considered a semi-conservative amino acid substitution. XRCC2 Arg17Gln occurs at a position that is conserved across species and is not located in a known functional domain (Kim 2011). In silico analyses predict that this variant is probably damaging to protein structure and function. Based on currently available information, it is unclear whether XRCC2 Arg17Gln is a pathogenic or benign variant. We consider it to be a variant of uncertain significance.

Literature cited by the submitters: PubMed 30613976 (cited by 3 submitters); PubMed 33471991 (cited by Quest Diagnostics Nichols Institute San Juan Capistrano).